The following is an entry in ClinVar:

ClinVar aggregate classification (germline): Benign/Likely benign. Review status: criteria provided, multiple submitters, no conflicts (2 of 4 stars). 12 submissions from 12 submitters: Benign (1); Likely benign (8). 3 of the submissions do not count toward it. Last evaluated 2026-01-12.

Conditions:
Cardiovascular phenotype. Identifiers: MedGen CN230736.
Cardiomyopathy (CMYO). Also called: Cardiomyopathies. Identifiers: Orphanet 167848, MedGen C0878544, MONDO:0004994, HP:0001638. Inheritance: Various modes of inheritance.
Dilated cardiomyopathy 1W (CMD1W). Identifiers: Orphanet 154, MedGen C1969639, MONDO:0012667, OMIM 611407.

Allele frequency attached by ClinVar (database versions not stated): gnomAD 0.00029 and 0.00028; gnomAD exomes 0.00015 and 0.00020; ExAC 0.00018; TOPMed 0.00019; ESP Exome Variant Server 0.00023.
gnomAD v4.1: 262 of 1,613,908 alleles (0.016%); highest among the groups gnomAD compares: Non-Finnish European, 0.02%; no homozygotes.

Submissions (12):

Labcorp Genetics (formerly Invitae), Labcorp
Classification: Likely benign for Dilated cardiomyopathy 1W. Last evaluated: 2026-01-12. Review status: criteria provided, single submitter. Criteria: Invitae Variant Classification Sherloc (09022015). Collection method: clinical testing. Allele origin: germline.

Laboratory of Genetics, Children's Clinical University Hospital Latvia
Classification: Likely benign. Last evaluated: 2025-02-16. Review status: criteria provided, single submitter. Criteria: ACMG Guidelines, 2015. Collection method: clinical testing. Allele origin: germline. Affected: yes.

Blueprint Genetics
Classification: Likely benign. Last evaluated: 2024-07-05. Review status: criteria provided, single submitter. Criteria: ACMG Guidelines, 2015. Collection method: clinical testing. Allele origin: germline.

CHEO Genetics Diagnostic Laboratory, Children's Hospital of Eastern Ontario
Classification: Likely benign for Cardiomyopathy. Last evaluated: 2020-06-16. Review status: criteria provided, single submitter. Criteria: ACMG Guidelines, 2015. Collection method: clinical testing. Allele origin: germline.

Molecular Diagnostic Laboratory for Inherited Cardiovascular Disease, Montreal Heart Institute
Classification: Likely benign. Last evaluated: 2019-09-17. Review status: criteria provided, single submitter. Criteria: ACMG Guidelines, 2015. Collection method: clinical testing. Allele origin: germline. Affected: yes.

Ambry Genetics
Classification: Likely benign for Cardiovascular phenotype. Last evaluated: 2019-03-19. Review status: criteria provided, single submitter. Criteria: Ambry Variant Classification Scheme 2023. Collection method: clinical testing. Allele origin: germline.

GeneDx
Classification: Benign. Last evaluated: 2014-05-05. Review status: criteria provided, single submitter. Criteria: GeneDx Variant Classification (06012015). Collection method: clinical testing. Allele origin: germline. Affected: yes.
Comment: This variant is considered likely benign or benign based on one or more of the following criteria: it is a conservative change, it occurs at a poorly conserved position in the protein, it is predicted to be benign by multiple in silico algorithms, and/or has population frequency not consistent with disease.

Laboratory for Molecular Medicine, Mass General Brigham Personalized Medicine
Classification: Likely benign. Last evaluated: 2012-03-19. Review status: criteria provided, single submitter. Criteria: LMM Criteria. Collection method: clinical testing. Allele origin: germline. Observed: 1 variant allele.
Comment: Leu122Leu in exon 3 of VCL: This variant is not expected to have clinical signif icance because it does not alter an amino acid residue and is not located within the splice consensus sequence. It has been identified in 2/7020 European Americ an chromosomes from a broad population by the NHLBI Exome Sequencing Project. Leu122Leu in exon 3 of VCL (allele frequency = 2/7020) **

Breakthrough Genomics
Classification: Likely benign. Review status: criteria provided, single submitter. Criteria: ACMG Guidelines, 2015. Collection method: not provided. Allele origin: germline. Inheritance: Autosomal dominant inheritance. Affected: yes.

Clinical Genetics DNA and cytogenetics Diagnostics Lab, Erasmus MC, Erasmus Medical Center
Classification: Likely benign. Review status: no assertion criteria provided. Collection method: clinical testing. Allele origin: germline. Affected: yes. Study: VKGL Data-share Consensus. Not counted in ClinVar's aggregate classification.

Clinical Genetics, Academic Medical Center
Classification: Benign. Review status: no assertion criteria provided. Collection method: clinical testing. Allele origin: germline. Affected: yes. Study: VKGL Data-share Consensus. Not counted in ClinVar's aggregate classification.

Joint Genome Diagnostic Labs from Nijmegen and Maastricht, Radboudumc and MUMC+
Classification: Likely benign. Review status: no assertion criteria provided. Collection method: clinical testing. Allele origin: germline. Affected: yes. Study: VKGL Data-share Consensus. Not counted in ClinVar's aggregate classification.

NM_014000.3(VCL):c.366G>A (p.Leu122=)

Gene: VCL (vinculin; plus strand). Cytogenetic location: 10q22.2.
Variant type: single nucleotide variant.
Coding change: c.366G>A on transcript NM_014000.3 (MANE Select); coding-DNA position 366, G replaced by A.
Protein change: p.Leu122=; no amino-acid change (leucine 122 retained).
Molecular consequence: synonymous variant.
Genome position (GRCh38, 1-based): chr10:74,070,796, G>A. VCF-style: chr10-74070796-G-A. GRCh37 (hg19) VCF-style: chr10-75830554-G-A.
Other names: p.L122L:CTG>CTA; c.366G>A, p.Leu122= (NM_003373.4).
Identifiers: ClinVar variation 45612 (VCV000045612.39), dbSNP rs199562976, ClinGen allele CA136789.